The following is an entry in ClinVar:

ClinVar aggregate classification (germline): Conflicting classifications of pathogenicity. Review status: criteria provided, conflicting classifications (1 of 4 stars). 5 submissions from 5 submitters: Uncertain significance (4); Likely benign (1). Last evaluated 2026-06-09.

Conditions:
Inborn genetic diseases. Identifiers: MedGen C0950123, MeSH D030342.

Allele frequency attached by ClinVar (database versions not stated): ExAC 0.00001; gnomAD 0.00013; TOPMed 0.00042.
gnomAD v4.1: 68 of 1,612,464 alleles (0.0042%); highest among the groups gnomAD compares: Admixed American, 0.04%; no homozygotes.

Submissions (5):

GeneDx
Classification: Uncertain significance. Last evaluated: 2026-06-09. Review status: criteria provided, single submitter. Criteria: GeneDx Variant Classification Process June 2021. Collection method: clinical testing. Allele origin: germline.
Comment: In silico analysis suggests that this missense variant does not alter protein structure/function; Has not been previously published as pathogenic or benign to our knowledge

Labcorp Genetics (formerly Invitae), Labcorp
Classification: Uncertain significance. Last evaluated: 2025-06-08. Review status: criteria provided, single submitter. Criteria: Invitae Variant Classification Sherloc (09022015). Collection method: clinical testing. Allele origin: germline.
Comment: This sequence change replaces aspartic acid, which is acidic and polar, with asparagine, which is neutral and polar, at codon 333 of the DFNA5 protein (p.Asp333Asn). The frequency data for this variant in the population databases is considered unreliable, as metrics indicate poor data quality at this position in the gnomAD database. This variant has not been reported in the literature in individuals affected with DFNA5-related conditions. ClinVar contains an entry for this variant (Variation ID: 2499821). Invitae Evidence Modeling of protein sequence and biophysical properties (such as structural, functional, and spatial information, amino acid conservation, physicochemical variation, residue mobility, and thermodynamic stability) indicates that this missense variant is not expected to disrupt DFNA5 protein function with a negative predictive value of 80%. In summary, the available evidence is currently insufficient to determine the role of this variant in disease. Therefore, it has been classified as a Variant of Uncertain Significance.

Women's Health and Genetics/Laboratory Corporation of America, LabCorp
Classification: Uncertain significance. Last evaluated: 2025-03-03. Review status: criteria provided, single submitter. Criteria: LabCorp Variant Classification Summary - May 2015. Collection method: clinical testing. Allele origin: germline.
Comment: Variant summary: GSDME c.997G>A (p.Asp333Asn) results in a conservative amino acid change in the encoded protein sequence. Four of five in-silico tools predict a benign effect of the variant on protein function. The variant allele was found at a frequency of 4.2e-05 in 1612464 control chromosomes. This frequency is not significantly higher than estimated for a pathogenic variant in GSDME causing Autosomal Dominant Nonsyndromic Hearing Loss 5, allowing no conclusion about variant significance. To our knowledge, no occurrence of c.997G>A in individuals affected with Autosomal Dominant Nonsyndromic Hearing Loss 5 and no experimental evidence demonstrating its impact on protein function have been reported. ClinVar contains an entry for this variant (Variation ID: 2499821). Based on the evidence outlined above, the variant was classified as uncertain significance.

Ambry Genetics
Classification: Uncertain significance for Inborn genetic diseases. Last evaluated: 2024-01-04. Review status: criteria provided, single submitter. Criteria: Ambry Variant Classification Scheme 2023. Collection method: clinical testing. Allele origin: germline.

Blueprint Genetics
Classification: Likely benign. Last evaluated: 2021-09-10. Review status: criteria provided, single submitter. Criteria: ACMG Guidelines, 2015. Collection method: clinical testing. Allele origin: germline.

NM_001127453.2(GSDME):c.997G>A (p.Asp333Asn)

Gene: GSDME (gasdermin E; minus strand). Cytogenetic location: 7p15.3.
Variant type: single nucleotide variant.
Coding change: c.997G>A on transcript NM_001127453.2 (MANE Select); coding-DNA position 997, G replaced by A.
Protein change: p.Asp333Asn; replaces aspartic acid 333 with asparagine.
Molecular consequence: missense variant.
Genome position (GRCh38, 1-based): chr7:24,706,370, C>T on the plus strand (G>A on the coding strand, the complement: GSDME is on the minus strand). VCF-style: chr7-24706370-C-T. GRCh37 (hg19) VCF-style: chr7-24745989-C-T.
Other names: c.505G>A, p.Asp169Asn (NM_001127454.2); c.997G>A, p.Asp333Asn (NM_004403.3); short protein forms D169N, D333N.
Identifiers: ClinVar variation 2499821 (VCV002499821.6), dbSNP rs778326869, ClinGen allele CA4191434.